The following is an entry in ClinVar:

ClinVar aggregate classification (germline): Uncertain significance (1 of 4 stars; one submission).

Conditions:
Immunodeficiency, common variable, 4. Also called: ANTIBODY DEFICIENCY DUE TO BAFFR DEFECT. Identifiers: Orphanet 1572, Orphanet 696925, MedGen C3150739, MONDO:0013284, OMIM 613494.

Submission:

Labcorp Genetics (formerly Invitae), Labcorp
Classification: Uncertain significance for Immunodeficiency, common variable, 4. Last evaluated: 2025-08-20. Review status: criteria provided, single submitter. Criteria: Invitae Variant Classification Sherloc (09022015). Collection method: clinical testing. Allele origin: germline.
Comment: This sequence change replaces proline, which is neutral and non-polar, with serine, which is neutral and polar, at codon 157 of the TNFRSF13C protein (p.Pro157Ser). This variant is present in population databases (no rsID available, gnomAD 0.003%). This variant has not been reported in the literature in individuals affected with TNFRSF13C-related conditions. An algorithm developed to predict the effect of missense changes on protein structure and function outputs the following: PolyPhen-2: "Benign". The serine amino acid residue is found in multiple mammalian species, which suggests that this missense change does not adversely affect protein function. In summary, the available evidence is currently insufficient to determine the role of this variant in disease. Therefore, it has been classified as a Variant of Uncertain Significance.

NM_052945.4(TNFRSF13C):c.469C>T (p.Pro157Ser)

Gene: TNFRSF13C (TNF receptor superfamily member 13C; minus strand). Cytogenetic location: 22q13.2.
Variant type: single nucleotide variant.
Coding change: c.469C>T on transcript NM_052945.4 (MANE Select); coding-DNA position 469, C replaced by T.
Protein change: p.Pro157Ser; replaces proline 157 with serine.
Molecular consequence: missense variant.
Genome position (GRCh38, 1-based): chr22:41,925,453, G>A on the plus strand (C>T on the coding strand, the complement: TNFRSF13C is on the minus strand). VCF-style: chr22-41925453-G-A. GRCh37 (hg19) VCF-style: chr22-42321457-G-A.
Other names: short protein forms P157S.
Identifiers: ClinVar variation 4781264 (VCV004781264.1).